The following is an entry in ClinVar:

NM_020066.5(FMN2):c.3363T>G (p.Pro1121=)

Gene: FMN2 (formin 2; plus strand). Cytogenetic location: 1q43.
Variant type: single nucleotide variant.
Coding change: c.3363T>G on transcript NM_020066.5 (MANE Select); coding-DNA position 3363, T replaced by G.
Protein change: p.Pro1121=; no amino-acid change (proline 1121 retained).
Molecular consequence: synonymous variant. On other transcripts: intron variant (1).
Genome position (GRCh38, 1-based): chr1:240,208,175, T>G. VCF-style: chr1-240208175-T-G. GRCh37 (hg19) VCF-style: chr1-240371475-T-G.
Other names: c.3375T>G, p.Pro1125= (NM_001305424.2); c.1986+19913T>G (NM_001348094.2).
Identifiers: ClinVar variation 3052004 (VCV003052004.3), dbSNP rs200682272, ClinGen allele CA1477127.

ClinVar aggregate classification (germline): Likely benign. Review status: criteria provided, single submitter (1 of 4 stars). 2 submissions from 2 submitters: Likely benign (1). 1 of the submissions does not count toward it. Last evaluated 2024-10-28.

Conditions:
FMN2-related disorder. Also called: FMN2-related condition.

Allele frequency attached by ClinVar (database versions not stated): gnomAD 0.00037.

Submissions (2):

Blueprint Genetics
Classification: Likely benign. Last evaluated: 2024-10-28. Review status: criteria provided, single submitter. Criteria: ACMG Guidelines, 2015. Collection method: clinical testing. Allele origin: germline.

PreventionGenetics, part of Exact Sciences
Classification: Likely benign for FMN2-related condition. Last evaluated: 2021-10-21. Review status: no assertion criteria provided. Collection method: clinical testing. Allele origin: germline. Not counted in ClinVar's aggregate classification.
Comment: This variant is classified as likely benign based on ACMG/AMP sequence variant interpretation guidelines (Richards et al. 2015 PMID: 25741868, with internal and published modifications).